The following is an entry in ClinVar:

ClinVar aggregate classification (germline): Uncertain significance. Review status: criteria provided, multiple submitters, no conflicts (2 of 4 stars). 3 submissions from 3 submitters: Uncertain significance (3). Last evaluated 2025-09-15.

Conditions:
Inborn genetic diseases. Identifiers: MedGen C0950123, MeSH D030342.
Palmoplantar keratoderma-esophageal carcinoma syndrome (TOC). Also called: KERATOSIS PALMARIS ET PLANTARIS WITH ESOPHAGEAL CANCER; Tylosis with Esophageal Cancer; PALMOPLANTAR KERATODERMA WITH ESOPHAGEAL CANCER. Identifiers: Orphanet 2198, MedGen C1835664, MONDO:0007856, OMIM 148500.

Allele frequency attached by ClinVar (database versions not stated): ExAC 0.00003; gnomAD 0.00003; TOPMed 0.00008; gnomAD exomes 0.00013; 1000 Genomes Project 30x 0.00016; 1000 Genomes Project 0.00020.
gnomAD v4.1: 189 of 1,613,618 alleles (0.012%); highest among the groups gnomAD compares: Non-Finnish European, 0.015%; no homozygotes.

Submissions (3):

Labcorp Genetics (formerly Invitae), Labcorp
Classification: Uncertain significance. Last evaluated: 2025-09-15. Review status: criteria provided, single submitter. Criteria: Invitae Variant Classification Sherloc (09022015). Collection method: clinical testing. Allele origin: germline.
Comment: This sequence change replaces arginine, which is basic and polar, with glutamine, which is neutral and polar, at codon 341 of the RHBDF2 protein (p.Arg341Gln). This variant is present in population databases (rs189970132, gnomAD 0.006%). This variant has not been reported in the literature in individuals affected with RHBDF2-related conditions. ClinVar contains an entry for this variant (Variation ID: 2162008). An algorithm developed to predict the effect of missense changes on protein structure and function outputs the following: PolyPhen-2: "Benign". The glutamine amino acid residue is found in multiple mammalian species, which suggests that this missense change does not adversely affect protein function. In summary, the available evidence is currently insufficient to determine the role of this variant in disease. Therefore, it has been classified as a Variant of Uncertain Significance.

Ambry Genetics
Classification: Uncertain significance for Inborn genetic diseases. Last evaluated: 2024-09-03. Review status: criteria provided, single submitter. Criteria: Ambry Variant Classification Scheme 2023. Collection method: clinical testing. Allele origin: germline.

Baylor Genetics
Classification: Uncertain significance for Palmoplantar keratoderma-esophageal carcinoma syndrome. Last evaluated: 2023-10-11. Review status: criteria provided, single submitter. Criteria: ACMG Guidelines, 2015. Collection method: clinical testing. Allele origin: unknown.

NM_001005498.4(RHBDF2):c.935G>A (p.Arg312Gln)

Gene: RHBDF2 (rhomboid 5 homolog 2; minus strand). Cytogenetic location: 17q25.1.
Variant type: single nucleotide variant.
Coding change: c.935G>A on transcript NM_001005498.4 (MANE Select); coding-DNA position 935, G replaced by A.
Protein change: p.Arg312Gln; replaces arginine 312 with glutamine.
Molecular consequence: missense variant. On other transcripts: non-coding transcript variant (3).
Genome position (GRCh38, 1-based): chr17:76,477,010, C>T on the plus strand (G>A on the coding strand, the complement: RHBDF2 is on the minus strand). VCF-style: chr17-76477010-C-T. GRCh37 (hg19) VCF-style: chr17-74473092-C-T.
Other names: c.935G>A, p.Arg312Gln (NM_001376228.1, NM_001376229.1, NM_001376230.1); c.1022G>A, p.Arg341Gln (NM_024599.5); short protein forms R341Q, R312Q.
Identifiers: ClinVar variation 2162008 (VCV002162008.6), dbSNP rs189970132, ClinGen allele CA8787172.